The following is an entry in ClinVar:

NM_001003787.4(STRADA):c.95-2A>C

Gene: STRADA (STE20 related adaptor alpha; minus strand). Cytogenetic location: 17q23.3.
Variant type: single nucleotide variant.
Coding change: c.95-2A>C on transcript NM_001003787.4 (MANE Select); the canonical splice acceptor site of the intron before coding-DNA position 95, A replaced by C.
Molecular consequence: splice acceptor variant. On other transcripts: intron variant (10).
Genome position (GRCh38, 1-based): chr17:63,723,328, T>G on the plus strand (A>C on the coding strand, the complement: STRADA is on the minus strand). VCF-style: chr17-63723328-T-G. GRCh37 (hg19) VCF-style: chr17-61800688-T-G.
Other names: c.12+5030A>C (NM_001363789.1, NM_001003786.3, NM_153335.6); c.-52+3310A>C (NM_001363790.1, NM_001363791.1, NM_001003788.3); c.71-2A>C (NM_001363786.1); c.36+5006A>C (NM_001165969.2, NM_001363787.1, NM_001411084.1); c.94+3310A>C (NM_001165970.2); c.95-2A>C (NM_001411085.1, NM_001363788.1, NM_001411083.1).
Identifiers: ClinVar variation 4772793 (VCV004772793.1).

ClinVar aggregate classification (germline): Likely pathogenic (1 of 4 stars; one submission).

Conditions:
Polyhydramnios, megalencephaly, and symptomatic epilepsy (PMSE). Also called: PMSE SYNDROME. Identifiers: Orphanet 500533, MedGen C1970203, MONDO:0012611, OMIM 611087.

gnomAD v4.1: 46 of 1,614,096 alleles (0.0028%); highest among the groups gnomAD compares: Non-Finnish European, 0.0039%; no homozygotes.

Submission:

Labcorp Genetics (formerly Invitae), Labcorp
Classification: Likely pathogenic for Polyhydramnios, megalencephaly, and symptomatic epilepsy. Last evaluated: 2025-04-27. Review status: criteria provided, single submitter. Criteria: Invitae Variant Classification Sherloc (09022015). Collection method: clinical testing. Allele origin: germline.
Comment: This sequence change affects an acceptor splice site in intron 3 of the STRADA gene. It is expected to disrupt RNA splicing. Variants that disrupt the donor or acceptor splice site typically lead to a loss of protein function (PMID: 16199547), and loss-of-function variants in STRADA are known to be pathogenic (PMID: 17522105, 27170158). This variant is present in population databases (rs766601222, gnomAD 0.0009%). This variant has not been reported in the literature in individuals affected with STRADA-related conditions. Algorithms developed to predict the effect of sequence changes on RNA splicing suggest that this variant may disrupt the consensus splice site. In summary, the currently available evidence indicates that the variant is pathogenic, but additional data are needed to prove that conclusively. Therefore, this variant has been classified as Likely Pathogenic.

Literature cited by the submitters: PubMed 16199547; PubMed 17522105; PubMed 27170158.